The following is an entry in ClinVar:

NM_000063.6(C2):c.551C>T (p.Thr184Met)

Gene: C2 (complement C2; plus strand). Cytogenetic location: 6p21.33.
Variant type: single nucleotide variant.
Coding change: c.551C>T on transcript NM_000063.6 (MANE Select); coding-DNA position 551, C replaced by T.
Protein change: p.Thr184Met; replaces threonine 184 with methionine.
Molecular consequence: missense variant.
Genome position (GRCh38, 1-based): chr6:31,933,718, C>T. VCF-style: chr6-31933718-C-T. GRCh37 (hg19) VCF-style: chr6-31901495-C-T.
Other names: c.155C>T, p.Thr52Met (NM_001145903.3); c.182C>T, p.Thr61Met (NM_001178063.3); c.46C>T, p.Arg16Trp (NM_001282457.2); c.464C>T, p.Thr155Met (NM_001282458.2); c.551C>T, p.Thr184Met (NM_001282459.2); short protein forms T61M, R16W, T184M, T155M, T52M.
Identifiers: ClinVar variation 1512950 (VCV001512950.6), dbSNP rs138034438, ClinGen allele CA3727426.

ClinVar aggregate classification (germline): Uncertain significance (1 of 4 stars; one submission).

Allele frequency attached by ClinVar (database versions not stated): gnomAD 0.00004 and 0.00005; gnomAD exomes 0.00004 and 0.00009; TOPMed 0.00005; ExAC 0.00008; 1000 Genomes Project 30x 0.00016; 1000 Genomes Project 0.00020.
gnomAD v4.1: 62 of 1,613,366 alleles (0.0038%); highest among the groups gnomAD compares: Admixed American, 0.018%; no homozygotes.

Submission:

Labcorp Genetics (formerly Invitae), Labcorp
Classification: Uncertain significance. Last evaluated: 2022-09-07. Review status: criteria provided, single submitter. Criteria: Invitae Variant Classification Sherloc (09022015). Collection method: clinical testing. Allele origin: germline.
Comment: ClinVar contains an entry for this variant (Variation ID: 1512950). In summary, the available evidence is currently insufficient to determine the role of this variant in disease. Therefore, it has been classified as a Variant of Uncertain Significance. Algorithms developed to predict the effect of missense changes on protein structure and function (SIFT, PolyPhen-2, Align-GVGD) all suggest that this variant is likely to be disruptive. This missense change has been observed in individual(s) with multiple sclerosis (PMID: 31170158). This variant is present in population databases (rs138034438, gnomAD 0.03%). This sequence change replaces threonine, which is neutral and polar, with methionine, which is neutral and non-polar, at codon 184 of the C2 protein (p.Thr184Met).

Literature cited by the submitters: PubMed 31170158.